The following is an entry in ClinVar:

ClinVar aggregate classification (germline): Likely benign. Review status: criteria provided, single submitter (1 of 4 stars). 2 submissions from 2 submitters: Likely benign (1). 1 of the submissions does not count toward it. Last evaluated 2024-04-01.

Conditions:
KMT2D-related disorder. Also called: KMT2D-Related Disorders.

Submissions (2):

CeGaT Center for Human Genetics Tuebingen
Classification: Likely benign. Last evaluated: 2024-04-01. Review status: criteria provided, single submitter. Criteria: CeGaT Center For Human Genetics Tuebingen Variant Classification Criteria Version 2. Collection method: clinical testing. Allele origin: germline. Affected: yes. Observed: 2 variant alleles.
Comment: KMT2D: PM2:Supporting, BP4, BP7

PreventionGenetics, part of Exact Sciences
Classification: Likely benign for KMT2D-related condition. Last evaluated: 2019-10-18. Review status: no assertion criteria provided. Collection method: clinical testing. Allele origin: germline. Not counted in ClinVar's aggregate classification.
Comment: This variant is classified as likely benign based on ACMG/AMP sequence variant interpretation guidelines (Richards et al. 2015 PMID: 25741868, with internal and published modifications).

NM_003482.4(KMT2D):c.2886T>C (p.Gly962=)

Gene: KMT2D (lysine methyltransferase 2D; minus strand). Cytogenetic location: 12q13.12.
Variant type: single nucleotide variant.
Coding change: c.2886T>C on transcript NM_003482.4 (MANE Select); coding-DNA position 2886, T replaced by C.
Protein change: p.Gly962=; no amino-acid change (glycine 962 retained).
Molecular consequence: synonymous variant.
Genome position (GRCh38, 1-based): chr12:49,050,702, A>G on the plus strand (T>C on the coding strand, the complement: KMT2D is on the minus strand). VCF-style: chr12-49050702-A-G. GRCh37 (hg19) VCF-style: chr12-49444485-A-G.
Identifiers: ClinVar variation 2642963 (VCV002642963.25), dbSNP rs2498448669, ClinGen allele CA479713827.